The following is an entry in ClinVar:

ClinVar aggregate classification (germline): Uncertain significance (1 of 4 stars; one submission).

Conditions:
Inborn genetic diseases. Identifiers: MedGen C0950123, MeSH D030342.

Submission:

Ambry Genetics
Classification: Uncertain significance for Inborn genetic diseases. Last evaluated: 2026-02-22. Review status: criteria provided, single submitter. Criteria: Ambry Variant Classification Scheme 2023. Collection method: clinical testing. Allele origin: germline.
Comment: The p.N737T variant (also known as c.2210A>C), located in coding exon 24 of the RTEL1 gene, results from an A to C substitution at nucleotide position 2210. The asparagine at codon 737 is replaced by threonine, an amino acid with similar properties. This amino acid position is conserved. In addition, this alteration is predicted to be tolerated by in silico analysis. Based on the available evidence, the clinical significance of this variant remains unclear.

NM_001283009.2(RTEL1):c.2210A>C (p.Asn737Thr)

Genes: RTEL1-TNFRSF6B (RTEL1-TNFRSF6B readthrough (NMD candidate); plus strand), RTEL1 (regulator of telomere elongation helicase 1; plus strand). Cytogenetic location: 20q13.33.
Variant type: single nucleotide variant.
Coding change: c.2210A>C on transcript NM_001283009.2 (MANE Select); coding-DNA position 2210, A replaced by C.
Protein change: p.Asn737Thr; replaces asparagine 737 with threonine.
Molecular consequence: missense variant. On other transcripts: non-coding transcript variant (1).
Genome position (GRCh38, 1-based): chr20:63,690,155, A>C. VCF-style: chr20-63690155-A-C. GRCh37 (hg19) VCF-style: chr20-62321508-A-C.
Other names: c.1541A>C, p.Asn514Thr (NM_001283010.1); c.2210A>C, p.Asn737Thr (NM_016434.4); c.2282A>C, p.Asn761Thr (NM_032957.5); short protein forms N737T, N514T, N761T.
Identifiers: ClinVar variation 4825690 (VCV004825690.1).